The following is an entry in ClinVar:

NM_031471.6(FERMT3):c.444G>C (p.Lys148Asn)

Gene: FERMT3 (FERM domain containing kindlin 3; plus strand). Cytogenetic location: 11q13.1.
Variant type: single nucleotide variant.
Coding change: c.444G>C on transcript NM_031471.6 (MANE Select); coding-DNA position 444, G replaced by C.
Protein change: p.Lys148Asn; replaces lysine 148 with asparagine.
Molecular consequence: missense variant. On other transcripts: 5 prime UTR variant (2).
Genome position (GRCh38, 1-based): chr11:64,211,101, G>C. VCF-style: chr11-64211101-G-C. GRCh37 (hg19) VCF-style: chr11-63978573-G-C.
Other names: c.444G>C, p.Lys148Asn (NM_001382361.1, NM_001382362.1, NM_001382448.1 and 1 more transcripts); c.-97G>C (NM_001382363.1, NM_001382364.1); short protein forms K148N.
Identifiers: ClinVar variation 1998892 (VCV001998892.4), dbSNP rs2495971683, ClinGen allele CA381081873.

ClinVar aggregate classification (germline): Uncertain significance (1 of 4 stars; one submission).

Conditions:
Leukocyte adhesion deficiency 3. Also called: Leukocyte adhesion deficiency, type III; INTEGRIN ACTIVATION DEFICIENCY DISEASE; LEUKOCYTE ADHESION DEFICIENCY 1 VARIANT. Identifiers: Orphanet 2968, Orphanet 99844, MedGen C2748536, MONDO:0013016, OMIM 612840.

Submission:

Labcorp Genetics (formerly Invitae), Labcorp
Classification: Uncertain significance for Leukocyte adhesion deficiency 3. Last evaluated: 2022-05-25. Review status: criteria provided, single submitter. Criteria: Invitae Variant Classification Sherloc (09022015). Collection method: clinical testing. Allele origin: germline.
Comment: In summary, the available evidence is currently insufficient to determine the role of this variant in disease. Therefore, it has been classified as a Variant of Uncertain Significance. Algorithms developed to predict the effect of missense changes on protein structure and function are either unavailable or do not agree on the potential impact of this missense change (SIFT: "Tolerated"; PolyPhen-2: "Possibly Damaging"; Align-GVGD: "Class C0"). This variant has not been reported in the literature in individuals affected with FERMT3-related conditions. This variant is not present in population databases (gnomAD no frequency). This sequence change replaces lysine, which is basic and polar, with asparagine, which is neutral and polar, at codon 148 of the FERMT3 protein (p.Lys148Asn).